The following is an entry in ClinVar:

ClinVar aggregate classification (germline): Uncertain significance (1 of 4 stars; one submission).

Submission:

Labcorp Genetics (formerly Invitae), Labcorp
Classification: Uncertain significance. Last evaluated: 2020-10-21. Review status: criteria provided, single submitter. Criteria: Invitae Variant Classification Sherloc (09022015). Collection method: clinical testing. Allele origin: germline.
Comment: This variant is not present in population databases (ExAC no frequency). In summary, the available evidence is currently insufficient to determine the role of this variant in disease. Therefore, it has been classified as a Variant of Uncertain Significance. Algorithms developed to predict the effect of missense changes on protein structure and function (SIFT, PolyPhen-2, Align-GVGD) all suggest that this variant is likely to be disruptive, but these predictions have not been confirmed by published functional studies and their clinical significance is uncertain. This variant has not been reported in the literature in individuals with UROD-related conditions. This sequence change replaces arginine with proline at codon 75 of the UROD protein (p.Arg75Pro). The arginine residue is highly conserved and there is a moderate physicochemical difference between arginine and proline.

NM_000374.5(UROD):c.224G>C (p.Arg75Pro)

Gene: UROD (uroporphyrinogen decarboxylase; plus strand). Cytogenetic location: 1p34.1.
Variant type: single nucleotide variant.
Coding change: c.224G>C on transcript NM_000374.5 (MANE Select); coding-DNA position 224, G replaced by C.
Protein change: p.Arg75Pro; replaces arginine 75 with proline.
Molecular consequence: missense variant. On other transcripts: non-coding transcript variant (3).
Genome position (GRCh38, 1-based): chr1:45,013,302, G>C. VCF-style: chr1-45013302-G-C. GRCh37 (hg19) VCF-style: chr1-45478974-G-C.
Other names: short protein forms R75P.
Identifiers: ClinVar variation 1021523 (VCV001021523.8), dbSNP rs1644820530, ClinGen allele CA340117014.